The following is an entry in ClinVar:

ClinVar aggregate classification (germline): Uncertain significance. Review status: criteria provided, multiple submitters, no conflicts (2 of 4 stars). 2 submissions from 2 submitters: Uncertain significance (2). Last evaluated 2025-07-21.

Conditions:
Pitt-Hopkins-like syndrome 2 (PTHSL2). Identifiers: Orphanet 221150, Orphanet 600663, MedGen C3280479, MONDO:0013690, OMIM 614325.

Allele frequency attached by ClinVar (database versions not stated): TOPMed below 0.00001.

Submissions (2):

Labcorp Genetics (formerly Invitae), Labcorp
Classification: Uncertain significance for Pitt-Hopkins-like syndrome 2. Last evaluated: 2025-07-21. Review status: criteria provided, single submitter. Criteria: Invitae Variant Classification Sherloc (09022015). Collection method: clinical testing. Allele origin: germline.
Comment: This sequence change replaces valine, which is neutral and non-polar, with leucine, which is neutral and non-polar, at codon 782 of the NRXN1 protein (p.Val782Leu). This variant is not present in population databases (gnomAD no frequency). This variant has not been reported in the literature in individuals affected with NRXN1-related conditions. ClinVar contains an entry for this variant (Variation ID: 1684062). An algorithm developed to predict the effect of missense changes on protein structure and function (PolyPhen-2) suggests that this variant is likely to be tolerated. In summary, the available evidence is currently insufficient to determine the role of this variant in disease. Therefore, it has been classified as a Variant of Uncertain Significance.

GeneDx
Classification: Uncertain significance. Last evaluated: 2024-02-08. Review status: criteria provided, single submitter. Criteria: GeneDx Variant Classification Process June 2021. Collection method: clinical testing. Allele origin: germline. Affected: yes.
Comment: Not observed at significant frequency in large population cohorts (gnomAD); In silico analysis supports that this missense variant has a deleterious effect on protein structure/function; Has not been previously published as pathogenic or benign to our knowledge

NM_001330078.2(NRXN1):c.2224G>C (p.Val742Leu)

Gene: NRXN1 (neurexin 1; minus strand). Cytogenetic location: 2p16.3.
Variant type: single nucleotide variant.
Coding change: c.2224G>C on transcript NM_001330078.2 (MANE Select); coding-DNA position 2224, G replaced by C.
Protein change: p.Val742Leu; replaces valine 742 with leucine.
Molecular consequence: missense variant.
Genome position (GRCh38, 1-based): chr2:50,531,350, C>G on the plus strand (G>C on the coding strand, the complement: NRXN1 is on the minus strand). VCF-style: chr2-50531350-C-G. GRCh37 (hg19) VCF-style: chr2-50758488-C-G.
Other names: c.2344G>C, p.Val782Leu (NM_001135659.3); c.2200G>C, p.Val734Leu (NM_001330077.2, NM_001330082.2, NM_001330095.2); c.2185G>C, p.Val729Leu (NM_001330083.2, NM_001330084.2); c.2224G>C, p.Val742Leu (NM_001330085.2, NM_001330086.2, NM_004801.6); c.2140G>C, p.Val714Leu (NM_001330087.2, NM_001330096.2); c.2170G>C, p.Val724Leu (NM_001330088.2); c.2221G>C, p.Val741Leu (NM_001330093.2); c.2212G>C, p.Val738Leu (NM_001330094.2); short protein forms V714L, V724L, V729L, V734L, V738L, V741L, V742L, V782L.
Identifiers: ClinVar variation 1684062 (VCV001684062.5), dbSNP rs867064055, ClinGen allele CA47312964.